The following is an entry in ClinVar:

NM_000553.6(WRN):c.37C>T (p.Arg13Trp)

Gene: WRN (WRN RecQ like helicase; plus strand). Cytogenetic location: 8p12.
Variant type: single nucleotide variant.
Coding change: c.37C>T on transcript NM_000553.6 (MANE Select); coding-DNA position 37, C replaced by T.
Protein change: p.Arg13Trp; replaces arginine 13 with tryptophan.
Molecular consequence: missense variant.
Genome position (GRCh38, 1-based): chr8:31,058,484, C>T. VCF-style: chr8-31058484-C-T. GRCh37 (hg19) VCF-style: chr8-30916000-C-T.
Other names: short protein forms R13W.
Identifiers: ClinVar variation 664926 (VCV000664926.6), dbSNP rs373503267, ClinGen allele CA4703959.
Genomic context (GRCh38, chr8:31,058,484, plus strand): 5'-CTCTGCAAATAGGACATTTCAAAGATGAGTGAAAAAAAATTGGAAACAACTGCACAGCAG[C>T]GGAAATGTCCTGAATGGATGAATGTGCAGAATAAAAGATGTGCTGTAGAAGAAAGAAAGG-3'
Protein context (NP_000544.2, residues 3-23): EKKLETTAQQ[Arg13Trp]KCPEWMNVQN

ClinVar aggregate classification (germline): Uncertain significance (1 of 4 stars; one submission).

Conditions:
Werner syndrome (WRN). Identifiers: Orphanet 902, MedGen C0043119, MONDO:0010196, OMIM 277700.

Allele frequency attached by ClinVar (database versions not stated): gnomAD 0.00001; TOPMed 0.00001; ExAC 0.00002; gnomAD exomes 0.00002; ESP Exome Variant Server 0.00008.
gnomAD v4.1: 31 of 1,613,562 alleles (0.0019%); highest among the groups gnomAD compares: Middle Eastern, 0.016%; no homozygotes.

Submission:

Labcorp Genetics (formerly Invitae), Labcorp
Classification: Uncertain significance for Werner syndrome. Last evaluated: 2024-04-23. Review status: criteria provided, single submitter. Criteria: Invitae Variant Classification Sherloc (09022015). Collection method: clinical testing. Allele origin: germline.
Comment: This sequence change replaces arginine, which is basic and polar, with tryptophan, which is neutral and slightly polar, at codon 13 of the WRN protein (p.Arg13Trp). This variant is present in population databases (rs373503267, gnomAD 0.01%). This variant has not been reported in the literature in individuals affected with WRN-related conditions. ClinVar contains an entry for this variant (Variation ID: 664926). Algorithms developed to predict the effect of missense changes on protein structure and function output the following: SIFT: "Not Available"; PolyPhen-2: "Benign"; Align-GVGD: "Not Available". The tryptophan amino acid residue is found in multiple mammalian species, which suggests that this missense change does not adversely affect protein function. In summary, the available evidence is currently insufficient to determine the role of this variant in disease. Therefore, it has been classified as a Variant of Uncertain Significance.